The following is an entry in ClinVar:

NM_004168.4(SDHA):c.4T>G (p.Ser2Ala)

Gene: SDHA (succinate dehydrogenase complex flavoprotein subunit A; plus strand). Cytogenetic location: 5p15.33.
Variant type: single nucleotide variant.
Coding change: c.4T>G on transcript NM_004168.4 (MANE Select); coding-DNA position 4, T replaced by G.
Protein change: p.Ser2Ala; replaces serine 2 with alanine.
Molecular consequence: missense variant.
Genome position (GRCh38, 1-based): chr5:218,359, T>G. VCF-style: chr5-218359-T-G. GRCh37 (hg19) VCF-style: chr5-218474-T-G.
Other names: c.4T>G, p.Ser2Ala (NM_001294332.2, NM_001330758.2); c.4T>G (NM_004168.2); short protein forms S2A.
Identifiers: ClinVar variation 1363080 (VCV001363080.10), dbSNP rs758327622, ClinGen allele CA359007240.

ClinVar aggregate classification (germline): Conflicting classifications of pathogenicity. Review status: criteria provided, conflicting classifications (1 of 4 stars). 2 submissions from 2 submitters: Uncertain significance (1); Likely benign (1). Last evaluated 2026-02-06.

Conditions:
Mitochondrial complex II deficiency, nuclear type 1. Also called: SUCCINATE CoQ REDUCTASE DEFICIENCY. Identifiers: Orphanet 3208, MedGen C5700310, MONDO:0100294, OMIM 252011.
Pheochromocytoma/paraganglioma syndrome 5. Also called: Paragangliomas 5; SDHA-Related Hereditary Paraganglioma-Pheochromocytoma Syndrome. Identifiers: Orphanet 29072, MedGen C3279992, MONDO:0013602, OMIM 614165.
Hereditary cancer-predisposing syndrome. Also called: Tumor predisposition; Hereditary Cancer Syndrome; Hereditary neoplastic syndrome; Neoplastic Syndromes, Hereditary. Identifiers: Orphanet 140162, MedGen C0027672, MeSH D009386, MONDO:0015356.

Submissions (2):

Ambry Genetics
Classification: Likely benign for Hereditary cancer-predisposing syndrome. Last evaluated: 2026-02-06. Review status: criteria provided, single submitter. Criteria: Ambry Variant Classification Scheme 2023. Collection method: clinical testing. Allele origin: germline.

Labcorp Genetics (formerly Invitae), Labcorp
Classification: Uncertain significance for Pheochromocytoma/paraganglioma syndrome 5; Mitochondrial complex II deficiency, nuclear type 1. Last evaluated: 2021-06-24. Review status: criteria provided, single submitter. Criteria: Invitae Variant Classification Sherloc (09022015). Collection method: clinical testing. Allele origin: germline.
Comment: This sequence change replaces serine with alanine at codon 2 of the SDHA protein (p.Ser2Ala). The serine residue is weakly conserved and there is a moderate physicochemical difference between serine and alanine. This variant is not present in population databases (ExAC no frequency). This variant has not been reported in the literature in individuals with SDHA-related conditions. Advanced modeling of protein sequence and biophysical properties (such as structural, functional, and spatial information, amino acid conservation, physicochemical variation, residue mobility, and thermodynamic stability) performed at Invitae indicates that this missense variant is not expected to disrupt SDHA protein function. In summary, the available evidence is currently insufficient to determine the role of this variant in disease. Therefore, it has been classified as a Variant of Uncertain Significance.